The following is an entry in ClinVar:

ClinVar aggregate classification (germline): Uncertain significance (0 of 4 stars; one submission).

Conditions:
LIPE-related disorder. Also called: LIPE-related condition.

gnomAD v4.1: 40 of 1,588,948 alleles (0.0025%); highest among the groups gnomAD compares: Non-Finnish European, 0.0031%; no homozygotes.

Submission:

PreventionGenetics, part of Exact Sciences
Classification: Uncertain significance for LIPE-related condition. Last evaluated: 2024-06-28. Review status: no assertion criteria provided. Collection method: clinical testing. Allele origin: germline.
Comment: The LIPE c.1744G>A variant is predicted to result in the amino acid substitution p.Asp582Asn. To our knowledge, this variant has not been reported in the literature. This variant is reported in 0.0041% of alleles in individuals of African descent in gnomAD. At this time, the clinical significance of this variant is uncertain due to the absence of conclusive functional and genetic evidence.

NM_005357.4(LIPE):c.1744G>A (p.Asp582Asn)

Genes: LIPE (lipase E, hormone sensitive type; minus strand), LIPE-AS1 (LIPE antisense RNA 1; plus strand), LOC101930071 (uncharacterized LOC101930071; plus strand). Cytogenetic location: 19q13.2.
Variant type: single nucleotide variant.
Coding change: c.1744G>A on transcript NM_005357.4 (MANE Select); coding-DNA position 1744, G replaced by A.
Protein change: p.Asp582Asn; replaces aspartic acid 582 with asparagine.
Molecular consequence: missense variant.
Genome position (GRCh38, 1-based): chr19:42,407,704, C>T on the plus strand (G>A on the coding strand, the complement: LIPE is on the minus strand). VCF-style: chr19-42407704-C-T. GRCh37 (hg19) VCF-style: chr19-42911856-C-T.
Other names: c.994G>A, p.Asp332Asn (NM_001416100.1); c.979G>A, p.Asp327Asn (NM_001416101.1, NM_001416105.1); c.874G>A, p.Asp292Asn (NM_001416102.1, NM_001416106.1); c.841G>A, p.Asp281Asn (NM_001416103.1, NM_001416104.1); c.385G>A, p.Asp129Asn (NM_001416107.1); c.103G>A, p.Asp35Asn (NM_001416108.1); short protein forms D129N, D281N, D292N, D327N, D332N, D35N, D582N.
Identifiers: ClinVar variation 3351697 (VCV003351697.1).
Genomic context (GRCh38, chr19:42,407,704, plus strand): 5'-GGACGGGCCCAGGGCCTGTGTGGGCCAGTGGGGGTGAGATGGTGACCGTGAGCGTGGGGT[C>T]GGCAGTCAGTGGCATCTCAAAGGCTTCGGGTGGCAGGCTGAGCAGGCGGCTTACCCTCAC-3'
Protein context (NP_005348.2, residues 572-592): PEAFEMPLTA[Asp582Asn]PTLTVTISPP